The following is an entry in ClinVar:

NM_001364905.1(LRBA):c.3914G>C (p.Arg1305Pro)

Gene: LRBA (LPS responsive beige-like anchor protein; minus strand). Cytogenetic location: 4q31.3.
Variant type: single nucleotide variant.
Coding change: c.3914G>C on transcript NM_001364905.1 (MANE Select); coding-DNA position 3914, G replaced by C.
Protein change: p.Arg1305Pro; replaces arginine 1305 with proline.
Molecular consequence: missense variant.
Genome position (GRCh38, 1-based): chr4:150,850,814, C>G on the plus strand (G>C on the coding strand, the complement: LRBA is on the minus strand). VCF-style: chr4-150850814-C-G. GRCh37 (hg19) VCF-style: chr4-151771966-C-G.
Other names: c.3914G>C, p.Arg1305Pro (NM_001199282.3, NM_001367550.1, NM_006726.5); short protein forms R1305P.
Identifiers: ClinVar variation 625972 (VCV000625972.5), dbSNP rs144754728, ClinGen allele CA3102953.

ClinVar aggregate classification (germline): Uncertain significance. Review status: criteria provided, multiple submitters, no conflicts (2 of 4 stars). 3 submissions from 3 submitters: Uncertain significance (3). Last evaluated 2022-08-30.

Conditions:
Inborn genetic diseases. Identifiers: MedGen C0950123, MeSH D030342.
Combined immunodeficiency due to LRBA deficiency. Also called: Common variable immunodeficiency 8, with autoimmunity. Identifiers: Orphanet 445018, MedGen C3553512, MONDO:0013863, OMIM 614700.

gnomAD v4.1: 4 of 1,613,618 alleles (0.00025%); highest among the groups gnomAD compares: Admixed American, 0.0067%; no homozygotes.

Submissions (3):

Ambry Genetics
Classification: Uncertain significance for Inborn genetic diseases. Last evaluated: 2022-08-30. Review status: criteria provided, single submitter. Criteria: Ambry Variant Classification Scheme 2023. Collection method: clinical testing. Allele origin: germline.

Center for Genomics, Ann and Robert H. Lurie Children's Hospital of Chicago
Classification: Uncertain significance for Combined immunodeficiency due to LRBA deficiency. Last evaluated: 2021-03-30. Review status: criteria provided, single submitter. Criteria: ACMG Guidelines, 2015. Collection method: clinical testing. Allele origin: germline.
Comment: LRBA NM_006726.4 exon 24 p.Arg1395Pro (c.3914G>C): This variant has not been reported in the literature and is present in 0.008% (3/34576) of Latino alleles in the Genome Aggregation Database. Evolutionary conservation and computational predictive tools suggest that this variant may impact the protein. In summary, data on this variant is insufficient for disease classification. Therefore, the clinical significance of this variant is uncertain.

Breakthrough Genomics
Classification: Uncertain significance. Review status: criteria provided, single submitter. Criteria: ACMG Guidelines, 2015. Collection method: not provided. Allele origin: germline. Inheritance: Autosomal recessive inheritance. Affected: yes.